The following is an entry in ClinVar:

NM_000138.5(FBN1):c.722C>T (p.Thr241Met)

Gene: FBN1 (fibrillin 1; minus strand). Cytogenetic location: 15q21.1.
Variant type: single nucleotide variant.
Coding change: c.722C>T on transcript NM_000138.5 (MANE Select); coding-DNA position 722, C replaced by T.
Protein change: p.Thr241Met; replaces threonine 241 with methionine.
Molecular consequence: missense variant.
Genome position (GRCh38, 1-based): chr15:48,537,625, G>A on the plus strand (C>T on the coding strand, the complement: FBN1 is on the minus strand). VCF-style: chr15-48537625-G-A. GRCh37 (hg19) VCF-style: chr15-48829822-G-A.
Other names: p.T241M:ACG>ATG; short protein forms T241M.
Identifiers: ClinVar variation 199957 (VCV000199957.14), dbSNP rs747049980, ClinGen allele CA017111.

ClinVar aggregate classification (germline): Uncertain significance. Review status: criteria provided, multiple submitters, no conflicts (2 of 4 stars). 5 submissions from 5 submitters: Uncertain significance (5). Last evaluated 2025-05-28.

Conditions:
Marfan syndrome (MFS). Also called: Marfan syndrome, classic; FBN1-Related Marfan Syndrome; Marfan syndrome type 1; Marfan's syndrome; MARFAN SYNDROME, TYPE I. Identifiers: Orphanet 284963, Orphanet 558, MedGen C0024796, MONDO:0007947, OMIM 154700.
Familial thoracic aortic aneurysm and aortic dissection (TAAD). Also called: Thoracic aortic aneurysms and dissections. Identifiers: Orphanet 91387, MedGen C4707243, MONDO:0019625.

Allele frequency attached by ClinVar (database versions not stated): TOPMed 0.00001; gnomAD 0.00001.
gnomAD v4.1: 7 of 1,614,056 alleles (0.00043%); highest among the groups gnomAD compares: Admixed American, 0.0017%; no homozygotes.

Submissions (5):

Color Diagnostics, LLC DBA Color Health
Classification: Uncertain significance for Familial thoracic aortic aneurysm and aortic dissection. Last evaluated: 2025-05-28. Review status: criteria provided, single submitter. Criteria: ACMG Guidelines, 2015. Collection method: clinical testing. Allele origin: germline.
Comment: This missense variant replaces threonine with methionine at codon 241 of the FBN1 protein. Computational prediction tool is inconclusive regarding the impact of this variant on protein structure and function. To our knowledge, functional studies have not been reported for this variant. This variant has not been reported in individuals affected with FBN1-related disorders in the literature. This variant has not been identified in the general population by the Genome Aggregation Database (gnomAD). The available evidence is insufficient to determine the role of this variant in disease conclusively. Therefore, this variant is classified as a Variant of Uncertain Significance.

Ambry Genetics
Classification: Uncertain significance for Familial thoracic aortic aneurysm and aortic dissection. Last evaluated: 2025-01-03. Review status: criteria provided, single submitter. Criteria: Ambry Variant Classification Scheme 2023. Collection method: clinical testing. Allele origin: germline.
Comment: The p.T241M variant (also known as c.722C>T), located in coding exon 6 of the FBN1 gene, results from a C to T substitution at nucleotide position 722. The threonine at codon 241 is replaced by methionine, an amino acid with similar properties. This amino acid position is highly conserved in available vertebrate species. In addition, this alteration is predicted to be deleterious by in silico analysis. Based on the available evidence, the clinical significance of this variant remains unclear.

All of Us Research Program, National Institutes of Health
Classification: Uncertain significance for Marfan syndrome. Last evaluated: 2024-09-23. Review status: criteria provided, single submitter. Criteria: ACMG Guidelines, 2015. Collection method: clinical testing. Allele origin: germline. Inheritance: Autosomal dominant inheritance. Observed: 1 variant allele, 1 heterozygote.
Comment: This study involves interpretation of variants in research participants for the purpose of population health screening. Participant phenotype was not available at the time of variant classification. Additional details can be found in publication PMID: 35346344, PMCID: PMC8962531

Labcorp Genetics (formerly Invitae), Labcorp
Classification: Uncertain significance for Marfan syndrome; Familial thoracic aortic aneurysm and aortic dissection. Last evaluated: 2024-09-17. Review status: criteria provided, single submitter. Criteria: Invitae Variant Classification Sherloc (09022015). Collection method: clinical testing. Allele origin: germline.
Comment: This sequence change replaces threonine, which is neutral and polar, with methionine, which is neutral and non-polar, at codon 241 of the FBN1 protein (p.Thr241Met). This variant is not present in population databases (gnomAD no frequency). This missense change has been observed in individual(s) with aortic root aneurysm (internal data). ClinVar contains an entry for this variant (Variation ID: 199957). Invitae Evidence Modeling of protein sequence and biophysical properties (such as structural, functional, and spatial information, amino acid conservation, physicochemical variation, residue mobility, and thermodynamic stability) indicates that this missense variant is expected to disrupt FBN1 protein function with a positive predictive value of 95%. In summary, the available evidence is currently insufficient to determine the role of this variant in disease. Therefore, it has been classified as a Variant of Uncertain Significance.

GeneDx
Classification: Uncertain significance. Last evaluated: 2020-10-23. Review status: criteria provided, single submitter. Criteria: GeneDx Variant Classification Process June 2021. Collection method: clinical testing. Allele origin: germline. Affected: yes.
Comment: Has not been previously published as pathogenic or benign to our knowledge; Not observed in large population cohorts (Lek et al., 2016); In silico analysis, which includes protein predictors and evolutionary conservation, supports a deleterious effect; Does not affect a cysteine residue within a calcium-binding EGF-like domain of the FBN1 gene; cysteine substitutions in the calcium-binding EGF-like domains represent the majority of pathogenic missense changes associated with FBN1 related disorders (Collod-Beroud et al., 2003).